The following is an entry in ClinVar:

ClinVar aggregate classification (germline): Uncertain significance (1 of 4 stars; one submission).

Conditions:
Autosomal dominant hypocalcemia 1 (HYPOC1). Also called: HYPOCALCEMIA, FAMILIAL. Identifiers: MedGen C3715128, MONDO:0011013, OMIM 601198.
Familial hypocalciuric hypercalcemia (FHH). Also called: Familial benign hypercalcemia. Identifiers: Orphanet 405, MedGen C1809471, MONDO:0018458.

Submission:

Labcorp Genetics (formerly Invitae), Labcorp
Classification: Uncertain significance for Familial hypocalciuric hypercalcemia; Autosomal dominant hypocalcemia 1. Last evaluated: 2023-12-01. Review status: criteria provided, single submitter. Criteria: Invitae Variant Classification Sherloc (09022015). Collection method: clinical testing. Allele origin: germline.
Comment: This sequence change replaces glycine, which is neutral and non-polar, with glutamic acid, which is acidic and polar, at codon 222 of the CASR protein (p.Gly222Glu). This variant is not present in population databases (gnomAD no frequency). This missense change has been observed in individual(s) with hypocalciuric hypercalcemia (PMID: 30407919). ClinVar contains an entry for this variant (Variation ID: 2159405). An algorithm developed to predict the effect of missense changes on protein structure and function (PolyPhen-2) suggests that this variant is likely to be disruptive. In summary, the available evidence is currently insufficient to determine the role of this variant in disease. Therefore, it has been classified as a Variant of Uncertain Significance.

Literature cited by the submitters: PubMed 30407919.

NM_000388.4(CASR):c.665G>A (p.Gly222Glu)

Gene: CASR (calcium sensing receptor; plus strand). Cytogenetic location: 3q21.1.
Variant type: single nucleotide variant.
Coding change: c.665G>A on transcript NM_000388.4 (MANE Select); coding-DNA position 665, G replaced by A.
Protein change: p.Gly222Glu; replaces glycine 222 with glutamic acid.
Molecular consequence: missense variant.
Genome position (GRCh38, 1-based): chr3:122,261,700, G>A. VCF-style: chr3-122261700-G-A. GRCh37 (hg19) VCF-style: chr3-121980547-G-A.
Other names: c.665G>A, p.Gly222Glu (NM_001178065.2); short protein forms G222E.
Identifiers: ClinVar variation 2159405 (VCV002159405.4), dbSNP rs2473225965, ClinGen allele CA354151077.